The following is an entry in ClinVar:

ClinVar aggregate classification (germline): Conflicting classifications of pathogenicity. Review status: criteria provided, conflicting classifications (1 of 4 stars). 5 submissions from 5 submitters: Likely pathogenic (1); Uncertain significance (1); Benign (1). 2 of the submissions do not count toward it. Last evaluated 2025-07-30.

Conditions:
Autism spectrum disorder. Also called: Autism spectrum disorders. Identifiers: MedGen C1510586, MeSH D000067877, MONDO:0005258.
Childhood apraxia of speech (SPCH1). Also called: DEVELOPMENTAL VERBAL DYSPRAXIA; SPEECH AND LANGUAGE DISORDER WITH OROFACIAL DYSPRAXIA; FOXP2-Related Speech and Language Disorder; Speech language disorder. Identifiers: Orphanet 209908, MedGen C0750927, MONDO:0011184, OMIM 602081.

Allele frequency attached by ClinVar (database versions not stated): ESP Exome Variant Server 0.01107; gnomAD 0.01292; ExAC 0.01377; TOPMed 0.01505; 1000 Genomes Project 0.02256; 1000 Genomes Project 30x 0.02327.
gnomAD v4.1: 17,238 of 1,609,630 alleles (1.1%); highest among the groups gnomAD compares: Middle Eastern, 3.5%; 171 homozygotes.

Submissions (5):

Genomic Medicine Center of Excellence, King Faisal Specialist Hospital and Research Centre
Classification: Likely pathogenic for Childhood apraxia of speech. Last evaluated: 2025-07-30. Review status: criteria provided, single submitter. Criteria: ACMG Guidelines, 2015. Collection method: clinical testing. Allele origin: germline.

Department of Pathology and Laboratory Medicine, Sinai Health System
Classification: Uncertain significance. Last evaluated: 2023-04-17. Review status: criteria provided, single submitter. Criteria: ACMG Guidelines, 2015. Collection method: research. Allele origin: germline.

Mendelics
Classification: Benign. Last evaluated: 2022-05-04. Review status: criteria provided, single submitter. Criteria: Mendelics Assertion Criteria 2019. Collection method: clinical testing. Allele origin: germline.

Gene Friend Way, National Innovation Center
Classification: Likely pathogenic for Autism spectrum disorder. Last evaluated: 2023-07-28. Review status: no assertion criteria provided. Collection method: clinical testing. Allele origin: unknown. Affected: yes. Observed: 7 variant alleles. Not counted in ClinVar's aggregate classification.
Comment: Missense mutation in a gene that has been linked to speech and language disorders (PMID: 21663442). This variant has been found in patients with childhood apraxia of speech (PMID: 27120335). In our study, seven children diagnosed with autism spectrum disorder carry both ZGRF1 rs61745597 and ZGRF1 rs76187047.

University of Washington Center for Mendelian Genomics, University of Washington
Classification: Likely pathogenic for Childhood apraxia of speech. Last evaluated: 2016-04-27. Review status: no assertion criteria provided. Collection method: research. Allele origin: inherited. Affected: yes. Observed: 9 heterozygotes. Not counted in ClinVar's aggregate classification.

Literature cited by the submitters: PubMed 27120335 (cited by University of Washington Center for Mendelian Genomics, University of Washington).

NM_018392.5(ZGRF1):c.4087G>A (p.Glu1363Lys)

Gene: ZGRF1 (zinc finger GRF-type containing 1; minus strand). Cytogenetic location: 4q25.
Variant type: single nucleotide variant.
Coding change: c.4087G>A on transcript NM_018392.5 (MANE Select); coding-DNA position 4087, G replaced by A.
Protein change: p.Glu1363Lys; replaces glutamic acid 1363 with lysine.
Molecular consequence: missense variant.
Genome position (GRCh38, 1-based): chr4:112,585,555, C>T on the plus strand (G>A on the coding strand, the complement: ZGRF1 is on the minus strand). VCF-style: chr4-112585555-C-T. GRCh37 (hg19) VCF-style: chr4-113506711-C-T.
Other names: c.3913G>A, p.Glu1305Lys (NM_001350397.2); short protein forms E1363K, E1305K.
Identifiers: ClinVar variation 617843 (VCV000617843.7), dbSNP rs76187047, ClinGen allele CA3047997.
Genomic context (GRCh38, chr4:112,585,555, plus strand): 5'-ATAAGACAAGTATTTGGTATGGTAGGGGGAGGGGAAGCAAGAATACCTTATTTGGACCTT[C>T]CTTTTTAACCATGACAAGTTTTGCAGGTTGACTATGATGGCAGGATGGTACATTATTTTC-3'
Protein context (NP_060862.3, residues 1353-1373): QPAKLVMVKK[Glu1363Lys]GPNKGRLFYT